The following is an entry in ClinVar:

NM_017799.4(TMEM260):c.721dup (p.Tyr241fs)

Gene: TMEM260 (transmembrane protein 260; plus strand). Cytogenetic location: 14q22.3.
Variant type: Duplication.
Coding change: c.721dup on transcript NM_017799.4 (MANE Select); coding-DNA position 721, one base duplicated (T; older notation c.721dupT).
Protein change: p.Tyr241fs; shifts the reading frame from tyrosine 241.
Molecular consequence: frameshift variant.
Genome position (GRCh38, 1-based): chr14:56,609,190, T duplicated; the last of 2 consecutive T bases (chr14:56,609,189-56,609,190); duplicating either gives the same sequence. VCF-style (leftmost placement, unchanged base first): chr14-56609188-C-CT. GRCh37 (hg19) VCF-style: chr14-57075906-C-CT.
Other names: short protein forms Y241fs.
Identifiers: ClinVar variation 987334 (VCV000987334.3), dbSNP rs773888234, ClinGen allele CA7199840.

ClinVar aggregate classification (germline): Pathogenic/Likely pathogenic. Review status: criteria provided, multiple submitters, no conflicts (2 of 4 stars). 3 submissions from 3 submitters: Pathogenic (2); Likely pathogenic (1). Last evaluated 2024-10-29.

Conditions:
TMEM260-related disorder. Also called: TMEM260-related condition.
Structural heart defects and renal anomalies syndrome (SHDRA). Identifiers: Orphanet 689822, MedGen C4479549, MONDO:0044321, OMIM 617478.

Submissions (3):

Blueprint Genetics
Classification: Likely pathogenic for TMEM260-related disorders. Last evaluated: 2024-10-29. Review status: criteria provided, single submitter. Criteria: ACMG Guidelines, 2015. Collection method: clinical testing. Allele origin: germline. Affected: yes. Observed: 5 variant alleles.

3billion
Classification: Pathogenic for Structural heart defects and renal anomalies syndrome. Last evaluated: 2023-08-08. Review status: criteria provided, single submitter. Criteria: ACMG Guidelines, 2015. Collection method: clinical testing. Allele origin: germline. Affected: yes.
Comment: The variant is observed at an extremely low frequency in the gnomAD v2.1.1 dataset (total allele frequency: 0.002%). Predicted Consequence/Location: Frameshift: predicted to result in a loss or disruption of normal protein function through nonsense-mediated decay (NMD) or protein truncation. Multiple pathogenic variants are reported downstream of the variant. The variant has been reported to be associated with TMEM260 related disorder (ClinVar ID: VCV000987334). Therefore, this variant is classified as Pathogenic according to the recommendation of ACMG/AMP guideline.

Institute of Medical Genetics and Applied Genomics, University Hospital Tübingen
Classification: Pathogenic. Last evaluated: 2020-10-23. Review status: criteria provided, single submitter. Criteria: ACMG Guidelines, 2015. Collection method: clinical testing. Allele origin: germline. Inheritance: Unknown mechanism. Affected: yes.